The following is an entry in ClinVar:

NM_001211.6(BUB1B):c.2402T>C (p.Val801Ala)

Gene: BUB1B (BUB1 mitotic checkpoint serine/threonine kinase B; plus strand). Cytogenetic location: 15q15.1.
Variant type: single nucleotide variant.
Coding change: c.2402T>C on transcript NM_001211.6 (MANE Select); coding-DNA position 2402, T replaced by C.
Protein change: p.Val801Ala; replaces valine 801 with alanine.
Molecular consequence: missense variant.
Genome position (GRCh38, 1-based): chr15:40,212,515, T>C. VCF-style: chr15-40212515-T-C. GRCh37 (hg19) VCF-style: chr15-40504716-T-C.
Other names: short protein forms V801A.
Identifiers: ClinVar variation 1790757 (VCV001790757.8), dbSNP rs2037726631, ClinGen allele CA391695130.

ClinVar aggregate classification (germline): Uncertain significance. Review status: criteria provided, multiple submitters, no conflicts (2 of 4 stars). 2 submissions from 2 submitters: Uncertain significance (2). Last evaluated 2025-05-11.

Conditions:
Inborn genetic diseases. Identifiers: MedGen C0950123, MeSH D030342.
Mosaic variegated aneuploidy syndrome 1 (MVA1). Also called: Warburton-Anyane-Yeboa syndrome. Identifiers: Orphanet 1052, MedGen C1850343, MONDO:0009759, OMIM 257300.

Allele frequency attached by ClinVar (database versions not stated): TOPMed below 0.00001; gnomAD 0.00001.
gnomAD v4.1: 1 of 1,612,502 alleles (0.000062%); highest among the groups gnomAD compares: Non-Finnish European, 0.000085%; no homozygotes.

Submissions (2):

Ambry Genetics
Classification: Uncertain significance for Inborn genetic diseases. Last evaluated: 2025-05-11. Review status: criteria provided, single submitter. Criteria: Ambry Variant Classification Scheme 2023. Collection method: clinical testing. Allele origin: germline.
Comment: The p.V801A variant (also known as c.2402T>C), located in coding exon 19 of the BUB1B gene, results from a T to C substitution at nucleotide position 2402. The valine at codon 801 is replaced by alanine, an amino acid with similar properties. This amino acid position is conserved. In addition, this alteration is predicted to be tolerated by in silico analysis. Since supporting evidence is limited at this time, the clinical significance of this alteration remains unclear.

Labcorp Genetics (formerly Invitae), Labcorp
Classification: Uncertain significance for Mosaic variegated aneuploidy syndrome 1. Last evaluated: 2024-03-06. Review status: criteria provided, single submitter. Criteria: Invitae Variant Classification Sherloc (09022015). Collection method: clinical testing. Allele origin: germline.
Comment: This sequence change replaces valine, which is neutral and non-polar, with alanine, which is neutral and non-polar, at codon 801 of the BUB1B protein (p.Val801Ala). This variant is not present in population databases (gnomAD no frequency). This variant has not been reported in the literature in individuals affected with BUB1B-related conditions. ClinVar contains an entry for this variant (Variation ID: 1790757). An algorithm developed to predict the effect of missense changes on protein structure and function (PolyPhen-2) suggests that this variant is likely to be tolerated. In summary, the available evidence is currently insufficient to determine the role of this variant in disease. Therefore, it has been classified as a Variant of Uncertain Significance.